The following is an entry in ClinVar:

NM_001267550.2(TTN):c.102057del (p.Asn34020fs)

Genes: TTN (titin; minus strand), TTN-AS1 (TTN antisense RNA 1; plus strand). Cytogenetic location: 2q31.2.
Variant type: Deletion.
Coding change: c.102057del on transcript NM_001267550.2 (MANE Select); coding-DNA position 102057, one base deleted (T; older notation c.102057delT).
Protein change: p.Asn34020fs; shifts the reading frame from asparagine 34020.
Molecular consequence: frameshift variant.
Genome position (GRCh38, 1-based): chr2:178,534,558, A deleted on the plus strand (T on the coding strand, the reverse complement: TTN is on the minus strand). VCF-style (leftmost placement, unchanged base first): chr2-178534557-TA-T. GRCh37 (hg19) VCF-style: chr2-179399284-TA-T.
Other names: c.97134del, p.Asn32379fs (NM_001256850.1); c.74862del, p.Asn24955fs (NM_003319.4); c.94353del, p.Asn31452fs (NM_133378.4); c.75237del, p.Asn25080fs (NM_133432.3); c.75438del, p.Asn25147fs (NM_133437.4); c.74862delT (NM_003319.4); c.102057del (NM_001267550.1); short protein forms N34020fs, N24955fs, N31452fs, N25080fs, N25147fs, N32379fs.
Identifiers: ClinVar variation 968528 (VCV000968528.14), dbSNP rs1690605753, ClinGen allele CA1139657407.
Genomic context (GRCh38, chr2:178,534,557, plus strand): 5'-TGAATGCTTCCTCATCGAAAGTATATTCAGCATTCATGATATTCTCAATGATCTGTTGGT[TA>T]GTTTCAGCCAGGAATGGGTTGATACCACTCAATAGCACATATACCAGTGTTCCAAGTGAC-3'

ClinVar aggregate classification (germline): Likely pathogenic. Review status: criteria provided, multiple submitters, no conflicts (2 of 4 stars). 3 submissions from 3 submitters: Likely pathogenic (3). Last evaluated 2026-09-25.

Conditions:
Dilated cardiomyopathy 1G (CMD1G). Identifiers: Orphanet 154, MedGen C1858763, MONDO:0011400, OMIM 604145.
Autosomal recessive limb-girdle muscular dystrophy type 2J (LGMDR10). Also called: Limb-girdle muscular dystrophy, type 2J; MUSCULAR DYSTROPHY, LIMB-GIRDLE, AUTOSOMAL RECESSIVE 10. Identifiers: Orphanet 140922, MedGen C1837342, MONDO:0012127, OMIM 608807.
Cardiovascular phenotype. Identifiers: MedGen CN230736.

Submissions (3):

GeneDx
Classification: Likely pathogenic. Last evaluated: 2026-09-25. Review status: criteria provided, single submitter. Criteria: GeneDx Variant Classification Process June 2021. Collection method: clinical testing. Allele origin: germline.
Comment: Frameshift variant predicted to result in protein truncation or nonsense mediated decay in a gene for which loss of function is a known mechanism of disease; Described as c.102282del in a patient who has a TTN missense variant on the opposite allele (in trans) and a history of congenital core myopathy, dilated cardiomyopathy, and atrial and ventricular septal defects (PMID: 24105469); Not observed at significant frequency in large population cohorts (gnomAD); Located in the M-band, a region of TTN for which truncating variants are significantly associated with autosomal recessive skeletal myopathies and also with autosomal dominant cardiomyopathy (PMID: 17444505, 32778822, 36637017); This variant is associated with the following publications: (PMID: 26187847, 30662450, 30821013, 17444505, 32778822, 36637017, 38438525, 24105469)

Labcorp Genetics (formerly Invitae), Labcorp
Classification: Likely pathogenic for Dilated cardiomyopathy 1G; Autosomal recessive limb-girdle muscular dystrophy type 2J. Last evaluated: 2025-10-26. Review status: criteria provided, single submitter. Criteria: Invitae Variant Classification Sherloc (09022015). Collection method: clinical testing. Allele origin: germline.
Comment: This sequence change creates a premature translational stop signal (p.Asn34020Thrfs*9) in the TTN gene. While this is not anticipated to result in nonsense mediated decay, it is expected to create a truncated TTN protein. This variant is not present in population databases (gnomAD no frequency). This premature translational stop signal has been observed in individual(s) with clinical features of autosomal recessive centronuclear myopathy (PMID: 24105469). ClinVar contains an entry for this variant (Variation ID: 968528). This variant is located in the M band of TTN (PMID: 25589632). Truncating variants in this region have been previously reported in individuals affected with autosomal dominant or autosomal recessive myopathy and muscular dystrophy (PMID: 18948003, 23975875, 24395473). Truncating variants in this region have also been identified in individuals affected with autosomal dominant dilated cardiomyopathy and/or cardio-related conditions (PMID: 27869827, 32964742, internal data). In summary, the currently available evidence indicates that the variant is pathogenic, but additional data are needed to prove that conclusively. Therefore, this variant has been classified as Likely Pathogenic.

Ambry Genetics
Classification: Likely pathogenic for Cardiovascular phenotype. Last evaluated: 2025-07-08. Review status: criteria provided, single submitter. Criteria: Ambry Variant Classification Scheme 2023. Collection method: clinical testing. Allele origin: germline.
Comment: The c.74862delT variant, located in coding exon 185 of the TTN gene, results from a deletion of one nucleotide at nucleotide position 74862, causing a translational frameshift with a predicted alternate stop codon (p.N24955Tfs*9). This exon is located in the M-band region of the N2-B isoform of the titin protein and is constitutively expressed in TTN transcripts (percent spliced in or PSI 100%). This variant (referred to as c.102282delT, p.Asn34020Thrfs&lowast;9) co-occurred with a second TTN alteration in a pediatric patient with congenital heart defects, arrhythmia, cardiomyopathy requiring transplant, and skeletal muscle disease who also had additional extra-cardiac features (Chauveau C et al. Hum Mol Genet, 2014 Feb;23:980-91). This variant (referred to as c.94578delT p,.T31451Tfs9) also co-occurred with a second variant in the TTN gene in an individual from a pediatric sudden cardiac arrest/death cohort; however, details were limited (Li MH et al. Hum Genomics, 2015 Jul;9:15; Campuzano O et al. Hum Mutat, 2019 06;40:749-764). This variant is considered to be rare based on population cohorts in the Genome Aggregation Database (gnomAD). This variant is expected to result in loss of function by premature protein truncation or nonsense-mediated mRNA decay. While truncating variants in TTN are present in 1-3% of the general population, truncating variants in the M-band have been reported in association with autosomal recessive titinopathies, primarily presenting with skeletal myopathy phenotypes (Ceyhan-Birsoy O et al. Neurology. 2013 Oct 1;81(14):1205-14; De Cid R et al. Neurology. 2015;85(24):2126-35). Truncating variants in coding exon 185 of the M-band of the N2-B isoform have also been specifically associated with autosomal dominant dilated cardiomyopathy (Vatta M et al. Circ GenomPrecis Med. 2025 Feb:e004982). More generally, TTN truncating variants encoded in constitutive exons (PSI >90%) have been found to be significantly associated with dilated cardiomyopathy (DCM) regardless of their position, although truncating variants in the A-band are the most common cause of DCM (Herman DS et al. N. Engl. J. Med., 2012 Feb;366:619-28; Roberts AM et al. Sci Transl Med, 2015 Jan;7:270ra6; Schafer S et al. Nat. Genet., 2017 01;49:46-53; Akhtar MM et al. Circ Heart Fail, 2020 Oct;13:e006832; Massier M et al. Clin Genet, 2025 Jan). Based on the majority of available evidence to date, this variant is likely to be pathogenic.

Literature cited by the submitters: PubMed 24105469 (cited by Labcorp Genetics (formerly Invitae), Labcorp and Ambry Genetics); PubMed 25589632 (cited by Labcorp Genetics (formerly Invitae), Labcorp); PubMed 18948003 (cited by Labcorp Genetics (formerly Invitae), Labcorp); PubMed 23975875 (cited by Labcorp Genetics (formerly Invitae), Labcorp); PubMed 24395473 (cited by Labcorp Genetics (formerly Invitae), Labcorp); PubMed 27869827 (cited by Labcorp Genetics (formerly Invitae), Labcorp); PubMed 32964742 (cited by Labcorp Genetics (formerly Invitae), Labcorp); PubMed 26187847 (cited by Ambry Genetics); PubMed 30662450 (cited by Ambry Genetics); PubMed 30821013 (cited by Ambry Genetics).